The following is an entry in ClinVar:

ClinVar aggregate classification (germline): Uncertain significance. Review status: criteria provided, multiple submitters, no conflicts (2 of 4 stars). 3 submissions from 3 submitters: Uncertain significance (3). Last evaluated 2024-12-22.

Conditions:
Hereditary cancer-predisposing syndrome. Also called: Tumor predisposition; Hereditary Cancer Syndrome; Hereditary neoplastic syndrome; Neoplastic Syndromes, Hereditary. Identifiers: Orphanet 140162, MedGen C0027672, MeSH D009386, MONDO:0015356.
Hereditary pheochromocytoma and paraganglioma. Also called: Hereditary paragangliomas and pheochromocytomas; Hereditary Paraganglioma-Pheochromocytoma Syndromes; Hereditary pheochromocytoma-paraganglioma. Identifiers: Orphanet 29072, MedGen C4274332, MONDO:0017366.

Submissions (3):

Labcorp Genetics (formerly Invitae), Labcorp
Classification: Uncertain significance for Hereditary pheochromocytoma and paraganglioma. Last evaluated: 2024-12-22. Review status: criteria provided, single submitter. Criteria: Invitae Variant Classification Sherloc (09022015). Collection method: clinical testing. Allele origin: germline.
Comment: This sequence change replaces serine, which is neutral and polar, with tryptophan, which is neutral and slightly polar, at codon 8 of the SDHAF2 protein (p.Ser8Trp). This variant is present in population databases (no rsID available, gnomAD 0.003%). This variant has not been reported in the literature in individuals affected with SDHAF2-related conditions. ClinVar contains an entry for this variant (Variation ID: 1790702). An algorithm developed to predict the effect of missense changes on protein structure and function (PolyPhen-2) suggests that this variant¬†is likely to be tolerated. In summary, the available evidence is currently insufficient to determine the role of this variant in disease. Therefore, it has been classified as a Variant of Uncertain Significance.

Ambry Genetics
Classification: Uncertain significance for Hereditary cancer-predisposing syndrome. Last evaluated: 2024-06-12. Review status: criteria provided, single submitter. Criteria: Ambry Variant Classification Scheme 2023. Collection method: clinical testing. Allele origin: germline.
Comment: The p.S8W variant (also known as c.23C>G), located in coding exon 1 of the SDHAF2 gene, results from a C to G substitution at nucleotide position 23. The serine at codon 8 is replaced by tryptophan, an amino acid with highly dissimilar properties. This amino acid position is poorly conserved in available vertebrate species. In addition, this alteration is predicted to be tolerated by in silico analysis. Based on the available evidence, the clinical significance of this variant remains unclear.

GeneDx
Classification: Uncertain significance. Last evaluated: 2023-11-07. Review status: criteria provided, single submitter. Criteria: GeneDx Variant Classification Process June 2021. Collection method: clinical testing. Allele origin: germline. Affected: yes.
Comment: Not observed at significant frequency in large population cohorts (gnomAD); In silico analysis supports that this missense variant does not alter protein structure/function; Has not been previously published as pathogenic or benign to our knowledge

NM_017841.4(SDHAF2):c.23C>G (p.Ser8Trp)

Gene: SDHAF2 (succinate dehydrogenase complex assembly factor 2; plus strand). Cytogenetic location: 11q12.2.
Variant type: single nucleotide variant.
Coding change: c.23C>G on transcript NM_017841.4 (MANE Select); coding-DNA position 23, C replaced by G.
Protein change: p.Ser8Trp; replaces serine 8 with tryptophan.
Molecular consequence: missense variant.
Genome position (GRCh38, 1-based): chr11:61,430,169, C>G. VCF-style: chr11-61430169-C-G. GRCh37 (hg19) VCF-style: chr11-61197641-C-G.
Other names: short protein forms S8W.
Identifiers: ClinVar variation 1790702 (VCV001790702.5), dbSNP rs1254052531, ClinGen allele CA380680189.